The following is an entry in ClinVar:

NM_001370466.1(NOD2):c.-8-2214G>A

Gene: NOD2 (nucleotide binding oligomerization domain containing 2; plus strand). Cytogenetic location: 16q12.1.
Variant type: single nucleotide variant.
Coding change: c.-8-2214G>A on transcript NM_001370466.1 (MANE Select); 2214 bases into the intron before 8 bases upstream of the start codon, G replaced by A.
Molecular consequence: intron variant. On other transcripts: missense variant (1).
Genome position (GRCh38, 1-based): chr16:50,697,274, G>A. VCF-style: chr16-50697274-G-A. GRCh37 (hg19) VCF-style: chr16-50731185-G-A.
Other names: c.31G>A, p.Asp11Asn (NM_022162.3); short protein forms D11N.
Identifiers: ClinVar variation 2152462 (VCV002152462.7), dbSNP rs746379299, ClinGen allele CA8051167.

ClinVar aggregate classification (germline): Uncertain significance. Review status: criteria provided, multiple submitters, no conflicts (2 of 4 stars). 2 submissions from 2 submitters: Uncertain significance (2). Last evaluated 2025-08-31.

Conditions:
Inborn genetic diseases. Identifiers: MedGen C0950123, MeSH D030342.
Regional enteritis. Also called: Enteritis, Granulomatous. Identifiers: MedGen C0678202, MeSH D003424.
Blau syndrome (BLAUS). Also called: ARTHROCUTANEOUVEAL GRANULOMATOSIS; GRANULOMATOSIS, FAMILIAL JUVENILE SYSTEMIC; GRANULOMATOSIS, FAMILIAL, BLAU TYPE; GRANULOMATOUS INFLAMMATORY ARTHRITIS, DERMATITIS, AND UVEITIS, FAMILIAL; JABS SYNDROME. Identifiers: Orphanet 90340, MedGen C5201146, MONDO:0008523, OMIM 186580.

Allele frequency attached by ClinVar (database versions not stated): gnomAD 0.00001; TOPMed 0.00001; ExAC 0.00004.
gnomAD v4.1: 34 of 1,560,196 alleles (0.0022%); highest among the groups gnomAD compares: Non-Finnish European, 0.0026%; no homozygotes.

Submissions (2):

Ambry Genetics
Classification: Uncertain significance for Inborn genetic diseases. Last evaluated: 2025-08-31. Review status: criteria provided, single submitter. Criteria: Ambry Variant Classification Scheme 2023. Collection method: clinical testing. Allele origin: germline.

Labcorp Genetics (formerly Invitae), Labcorp
Classification: Uncertain significance for Regional enteritis; Blau syndrome. Last evaluated: 2022-09-26. Review status: criteria provided, single submitter. Criteria: Invitae Variant Classification Sherloc (09022015). Collection method: clinical testing. Allele origin: germline.
Comment: This sequence change replaces aspartic acid, which is acidic and polar, with asparagine, which is neutral and polar, at codon 11 of the NOD2 protein (p.Asp11Asn). The frequency data for this variant in the population databases is considered unreliable, as metrics indicate poor data quality at this position in the gnomAD database. This variant has not been reported in the literature in individuals affected with NOD2-related conditions. Advanced modeling of protein sequence and biophysical properties (such as structural, functional, and spatial information, amino acid conservation, physicochemical variation, residue mobility, and thermodynamic stability) performed at Invitae indicates that this missense variant is not expected to disrupt NOD2 protein function. In summary, the available evidence is currently insufficient to determine the role of this variant in disease. Therefore, it has been classified as a Variant of Uncertain Significance.